The following is an entry in ClinVar:

NM_000286.3(PEX12):c.418_419insGGGATGAATAG (p.Glu140delinsGlyAspGluTer)

Gene: PEX12 (peroxisomal biogenesis factor 12; minus strand). Cytogenetic location: 17q12.
Variant type: Insertion.
Coding change: c.418_419insGGGATGAATAG on transcript NM_000286.3 (MANE Select); coding-DNA positions 418 to 419, GGGATGAATAG inserted.
Protein change: p.Glu140delinsGlyAspGluTer.
Molecular consequence: nonsense.
Genome position: GRCh38 VCF-style: chr17-35577299-T-TCTATTCATCCC. GRCh37 (hg19) VCF-style: chr17-33904318-T-TCTATTCATCCC.
Identifiers: ClinVar variation 5004047 (VCV005004047.1).
Genomic context (GRCh38, chr17:35,577,299, plus strand): 5'-AGGAAAGCTCTGTAAAATCGTTTCCAGCGGGAAGAAGGGGGATGAATAGAATATTCATCC[T>TCTATTCATCCC]CTTCTCTCAGGCTAGAAACCAGCTTCTCCAGCTTCACTTTCAGATAGGGAAGAAGAACCA-3'

ClinVar aggregate classification (germline): Pathogenic (1 of 4 stars; one submission).

Conditions:
Peroxisome biogenesis disorder. Identifiers: Orphanet 79189, MedGen C1832200, MONDO:0019234. Disease mechanism: loss of function.

Submission:

Myriad Genetics, Inc.
Classification: Pathogenic for Peroxisome biogenesis disorder. Last evaluated: 2026-02-10. Review status: criteria provided, single submitter. Criteria: Myriad Autosomal Dominant, Autosomal Recessive and X-Linked Classification Criteria (2023). Collection method: clinical testing. Allele origin: unknown.
Comment: NM_000286.2(PEX12):c.418_419ins11(E140Gfs*4) is a frameshift variant classified as pathogenic in the context of peroxisome biogenesis disorder type 3. E140Gfs*4 has not been observed in cases with relevant disease. Relevant functional assessments of this variant are not available in the literature. E140Gfs*4 has not been observed in referenced population frequency databases. In summary, NM_000286.2(PEX12):c.418_419ins11(E140Gfs*4) is a frameshift variant in a gene where loss of function is a known mechanism of disease and is predicted to disrupt protein function. Please note: this variant was assessed in the context of healthy population screening.